The following is an entry in ClinVar:

ClinVar aggregate classification (germline): Uncertain significance. Review status: criteria provided, multiple submitters, no conflicts (2 of 4 stars). 2 submissions from 2 submitters: Uncertain significance (2). Last evaluated 2025-04-20.

Conditions:
Epileptic encephalopathy. Identifiers: MedGen C0543888, HP:0200134.

Allele frequency attached by ClinVar (database versions not stated): TOPMed below 0.00001.
gnomAD v4.1: 2 of 1,611,232 alleles (0.00012%); highest among the groups gnomAD compares: Admixed American, 0.0017%; no homozygotes.

Submissions (2):

Ambry Genetics
Classification: Uncertain significance. Last evaluated: 2025-04-20. Review status: criteria provided, single submitter. Criteria: Ambry Variant Classification Scheme 2023. Collection method: clinical testing. Allele origin: germline.

Labcorp Genetics (formerly Invitae), Labcorp
Classification: Uncertain significance for Epileptic encephalopathy. Last evaluated: 2022-09-01. Review status: criteria provided, single submitter. Criteria: Invitae Variant Classification Sherloc (09022015). Collection method: clinical testing. Allele origin: germline.
Comment: This sequence change replaces alanine, which is neutral and non-polar, with serine, which is neutral and polar, at codon 1569 of the FASN protein (p.Ala1569Ser). The frequency data for this variant in the population databases is considered unreliable, as metrics indicate poor data quality at this position in the gnomAD database. ClinVar contains an entry for this variant (Variation ID: 1501940). This variant has not been reported in the literature in individuals affected with FASN-related conditions. In summary, the available evidence is currently insufficient to determine the role of this variant in disease. Therefore, it has been classified as a Variant of Uncertain Significance. Algorithms developed to predict the effect of missense changes on protein structure and function (SIFT, PolyPhen-2, Align-GVGD) all suggest that this variant is likely to be tolerated.

NM_004104.5(FASN):c.4705G>T (p.Ala1569Ser)

Gene: FASN (fatty acid synthase; minus strand). Cytogenetic location: 17q25.3.
Variant type: single nucleotide variant.
Coding change: c.4705G>T on transcript NM_004104.5 (MANE Select); coding-DNA position 4705, G replaced by T.
Protein change: p.Ala1569Ser; replaces alanine 1569 with serine.
Molecular consequence: missense variant.
Genome position (GRCh38, 1-based): chr17:82,084,576, C>A on the plus strand (G>T on the coding strand, the complement: FASN is on the minus strand). VCF-style: chr17-82084576-C-A. GRCh37 (hg19) VCF-style: chr17-80042452-C-A.
Other names: c.4705G>T (NM_004104.4); short protein forms A1569S.
Identifiers: ClinVar variation 1501940 (VCV001501940.9), dbSNP rs914258123, ClinGen allele CA295129258.